The following is an entry in ClinVar:

ClinVar aggregate classification (germline): Uncertain significance (1 of 4 stars; one submission).

Conditions:
Spastic paraplegia. Identifiers: MedGen C0037772, HP:0001258.

Submission:

Labcorp Genetics (formerly Invitae), Labcorp
Classification: Uncertain significance for Spastic paraplegia. Last evaluated: 2022-06-13. Review status: criteria provided, single submitter. Criteria: Invitae Variant Classification Sherloc (09022015). Collection method: clinical testing. Allele origin: germline.
Comment: This variant results in a copy number gain of the genomic region encompassing exon(s) 13-42 of the ZFYVE26 gene. This region includes the termination codon of the gene. This copy number gain extends beyond the assayed region for this gene and therefore may encompass additional genes. As the precise location of this event is unknown, it may be in tandem or it may be located elsewhere in the genome. This variant has not been reported in the literature in individuals affected with ZFYVE26-related conditions. In summary, the available evidence is currently insufficient to determine the role of this variant in disease. Therefore, it has been classified as a Variant of Uncertain Significance.

NC_000014.8:g.(?_68189360)_(68260976_?)dup

Genes: RDH12 (retinol dehydrogenase 12; plus strand), ZFYVE26 (zinc finger FYVE-type containing 26; minus strand). Cytogenetic location: 14q24.1.
Variant type: Duplication.
Identifiers: ClinVar variation 1411948 (VCV001411948.4).